The following is an entry in ClinVar:

ClinVar aggregate classification (germline): Likely benign (0 of 4 stars; one submission).

Conditions:
UNC13A-related disorder. Also called: UNC13A-related condition.

Allele frequency attached by ClinVar (database versions not stated): gnomAD 0.00002; TOPMed 0.00003; ExAC 0.00006; gnomAD exomes 0.00011; ESP Exome Variant Server 0.00016.
gnomAD v4.1: 163 of 1,613,858 alleles (0.01%); highest among the groups gnomAD compares: Non-Finnish European, 0.014%; no homozygotes.

Submission:

PreventionGenetics, part of Exact Sciences
Classification: Likely benign for UNC13A-related condition. Last evaluated: 2023-03-14. Review status: no assertion criteria provided. Collection method: clinical testing. Allele origin: germline.
Comment: This variant is classified as likely benign based on ACMG/AMP sequence variant interpretation guidelines (Richards et al. 2015 PMID: 25741868, with internal and published modifications).

NM_001080421.3(UNC13A):c.4293T>C (p.Asn1431=)

Gene: UNC13A (unc-13 homolog A; minus strand). Cytogenetic location: 19p13.11.
Variant type: single nucleotide variant.
Coding change: c.4293T>C on transcript NM_001080421.3 (MANE Select); coding-DNA position 4293, T replaced by C.
Protein change: p.Asn1431=; no amino-acid change (asparagine 1431 retained).
Molecular consequence: synonymous variant.
Genome position (GRCh38, 1-based): chr19:17,618,942, A>G on the plus strand (T>C on the coding strand, the complement: UNC13A is on the minus strand). VCF-style: chr19-17618942-A-G. GRCh37 (hg19) VCF-style: chr19-17729751-A-G.
Other names: c.4281T>C, p.Asn1427= (NM_001387021.1); c.4278T>C, p.Asn1426= (NM_001387022.1); c.4212T>C, p.Asn1404= (NM_001387023.1).
Identifiers: ClinVar variation 3032415 (VCV003032415.2), dbSNP rs377686256, ClinGen allele CA9297714.
Genomic context (GRCh38, chr19:17,618,942, plus strand): 5'-CCATAATCTATCCCCACTCCTCACCTTGAGTTTGGACAGCTGACCCAGCTCCTTGGCTGC[A>G]TTGAAGATCATCTGGGTTCCCTGCAGGTAACAACATACAGCTGGGTGAGGGCAGGGGTGC-3'
Protein context (NP_001073890.2, residues 1421-1441): SHSDGTQMIF[Asn1431=]AAKELGQLSK